The following is an entry in ClinVar:

ClinVar aggregate classification (germline): Conflicting classifications of pathogenicity. Review status: criteria provided, conflicting classifications (1 of 4 stars). 4 submissions from 4 submitters: Uncertain significance (3); Likely benign (1). Last evaluated 2025-08-18.

Conditions:
Brody myopathy. Also called: BRODY DISEASE. Identifiers: Orphanet 53347, MedGen C1832918, MONDO:0010977, OMIM 601003.

Allele frequency attached by ClinVar (database versions not stated): gnomAD exomes 0.00007 and 0.00012; ExAC 0.00009; TOPMed 0.00011; gnomAD 0.00016 and 0.00017.
gnomAD v4.1: 193 of 1,614,080 alleles (0.012%); highest among the groups gnomAD compares: Non-Finnish European, 0.015%; no homozygotes.

Submissions (4):

Labcorp Genetics (formerly Invitae), Labcorp
Classification: Likely benign for Brody myopathy. Last evaluated: 2025-08-18. Review status: criteria provided, single submitter. Criteria: Invitae Variant Classification Sherloc (09022015). Collection method: clinical testing. Allele origin: germline.

GeneDx
Classification: Uncertain significance. Last evaluated: 2024-10-17. Review status: criteria provided, single submitter. Criteria: GeneDx Variant Classification Process June 2021. Collection method: clinical testing. Allele origin: germline. Affected: yes.
Comment: Not observed at significant frequency in large population cohorts (gnomAD); In silico analysis supports a deleterious effect on splicing; Has not been previously published as pathogenic or benign to our knowledge

Mayo Clinic Laboratories, Mayo Clinic
Classification: Uncertain significance. Last evaluated: 2024-06-05. Review status: criteria provided, single submitter. Criteria: ACMG Guidelines, 2015. Collection method: clinical testing. Allele origin: germline. Observed: 1 variant allele.

Illumina Laboratory Services, Illumina
Classification: Uncertain significance for Brody myopathy. Last evaluated: 2018-01-12. Review status: criteria provided, single submitter. Criteria: ICSL Variant Classification Criteria 13 December 2019. Collection method: clinical testing. Allele origin: germline.

NM_004320.6(ATP2A1):c.2310C>T (p.Gly770=)

Gene: ATP2A1 (ATPase sarcoplasmic/endoplasmic reticulum Ca2+ transporting 1; plus strand). Cytogenetic location: 16p11.2.
Variant type: single nucleotide variant.
Coding change: c.2310C>T on transcript NM_004320.6 (MANE Select); coding-DNA position 2310, C replaced by T.
Protein change: p.Gly770=; no amino-acid change (glycine 770 retained).
Molecular consequence: synonymous variant.
Genome position (GRCh38, 1-based): chr16:28,902,072, C>T. VCF-style: chr16-28902072-C-T. GRCh37 (hg19) VCF-style: chr16-28913393-C-T.
Other names: p.Gly770=; c.2310C>T (NM_173201.4); c.1935C>T, p.Gly645= (NM_001286075.2); c.2310C>T, p.Gly770= (NM_173201.5).
Identifiers: ClinVar variation 318785 (VCV000318785.14), dbSNP rs7192781, ClinGen allele CA7987215.